The following is an entry in ClinVar:

ClinVar aggregate classification (germline): Likely pathogenic (1 of 4 stars; one submission).

Conditions:
Primary ciliary dyskinesia. Also called: Ciliary dyskinesia. Identifiers: Orphanet 244, MedGen C0008780, MONDO:0016575, HP:0012265.

Submission:

Labcorp Genetics (formerly Invitae), Labcorp
Classification: Likely pathogenic for Primary ciliary dyskinesia. Last evaluated: 2020-05-21. Review status: criteria provided, single submitter. Criteria: Invitae Variant Classification Sherloc (09022015). Collection method: clinical testing. Allele origin: germline.
Comment: In summary, the currently available evidence indicates that the variant is pathogenic, but additional data are needed to prove that conclusively. Therefore, this variant has been classified as Likely Pathogenic. Loss-of-function variants in DNAH5 are known to be pathogenic (PMID: 11788826, 16627867). This variant has not been reported in the literature in individuals with DNAH5-related conditions. This variant results in a copy number gain of the genomic region encompassing exon(s) 12-18 of the DNAH5 gene. While the exact position of this variant cannot be determined from the data, sub-genic copy number gains are generally in tandem (PMID: 25640679). This variant is predicted to be out-of-frame, and may result in an absent or disrupted protein product.

Literature cited by the submitters: PubMed 11788826; PubMed 16627867; PubMed 25640679.

NC_000005.9:g.(?_13886063)_(13911612_?)dup

Gene: DNAH5 (dynein axonemal heavy chain 5; minus strand). Cytogenetic location: 5p15.2.
Variant type: Duplication.
Identifiers: ClinVar variation 1066941 (VCV001066941.13).